The following is an entry in ClinVar:

NM_182914.3(SYNE2):c.2023A>G (p.Ile675Val)

Gene: SYNE2 (spectrin repeat containing nuclear envelope protein 2; plus strand). Cytogenetic location: 14q23.2.
Variant type: single nucleotide variant.
Coding change: c.2023A>G on transcript NM_182914.3 (MANE Select); coding-DNA position 2023, A replaced by G.
Protein change: p.Ile675Val; replaces isoleucine 675 with valine.
Molecular consequence: missense variant.
Genome position (GRCh38, 1-based): chr14:63,983,758, A>G. VCF-style: chr14-63983758-A-G. GRCh37 (hg19) VCF-style: chr14-64450476-A-G.
Other names: c.2023A>G, p.Ile675Val (NM_015180.6); short protein forms I675V.
Identifiers: ClinVar variation 448628 (VCV000448628.14), dbSNP rs199854951, ClinGen allele CA7219587.
Genomic context (GRCh38, chr14:63,983,758, plus strand): 5'-AAATATGAGTATTACATTTCATGAAATTATTTTGTATAGGAAATGAACCTGCCACTGATG[A>G]TAAAAAAACAGGATCAGCCCACTTTTGACAATTCTGGAAATATTCTATCTAAAGAAGAGA-3'
Protein context (NP_878918.2, residues 665-685): TQLEMNLPLM[Ile675Val]KKQDQPTFDN

ClinVar aggregate classification (germline): Uncertain significance. Review status: criteria provided, multiple submitters, no conflicts (2 of 4 stars). 3 submissions from 3 submitters: Uncertain significance (3). Last evaluated 2024-09-09.

Conditions:
Emery-Dreifuss muscular dystrophy 5, autosomal dominant (EDMD5). Also called: EMERY-DREIFUSS MUSCULAR DYSTROPHY 5. Identifiers: Orphanet 261, MedGen C2751805, MONDO:0013072, OMIM 612999.

Allele frequency attached by ClinVar (database versions not stated): ExAC 0.00003; gnomAD exomes 0.00003 and 0.00004; gnomAD 0.00004; TOPMed 0.00008; ESP Exome Variant Server 0.00009.
gnomAD v4.1: 70 of 1,612,906 alleles (0.0043%); highest among the groups gnomAD compares: African/African-American, 0.0053%; no homozygotes.

Submissions (3):

Labcorp Genetics (formerly Invitae), Labcorp
Classification: Uncertain significance for Emery-Dreifuss muscular dystrophy 5, autosomal dominant. Last evaluated: 2024-09-09. Review status: criteria provided, single submitter. Criteria: Invitae Variant Classification Sherloc (09022015). Collection method: clinical testing. Allele origin: germline.
Comment: This sequence change replaces isoleucine, which is neutral and non-polar, with valine, which is neutral and non-polar, at codon 675 of the SYNE2 protein (p.Ile675Val). This variant is present in population databases (rs199854951, gnomAD 0.006%). This variant has not been reported in the literature in individuals affected with SYNE2-related conditions. ClinVar contains an entry for this variant (Variation ID: 448628). An algorithm developed to predict the effect of missense changes on protein structure and function outputs the following: PolyPhen-2: "Benign". The valine amino acid residue is found in multiple mammalian species, which suggests that this missense change does not adversely affect protein function. In summary, the available evidence is currently insufficient to determine the role of this variant in disease. Therefore, it has been classified as a Variant of Uncertain Significance.

Illumina Laboratory Services, Illumina
Classification: Uncertain significance for Emery-Dreifuss muscular dystrophy 5, autosomal dominant. Last evaluated: 2018-01-12. Review status: criteria provided, single submitter. Criteria: ICSL Variant Classification Criteria 13 December 2019. Collection method: clinical testing. Allele origin: germline.

Athena Diagnostics
Classification: Uncertain significance. Last evaluated: 2017-05-24. Review status: criteria provided, single submitter. Criteria: Athena Diagnostics Criteria. Collection method: clinical testing. Allele origin: germline.